The following is an entry in ClinVar:

NM_001100913.3(PACS2):c.2039A>G (p.Asp680Gly)

Gene: PACS2 (phosphofurin acidic cluster sorting protein 2; plus strand). Cytogenetic location: 14q32.33.
Variant type: single nucleotide variant.
Coding change: c.2039A>G on transcript NM_001100913.3 (MANE Select); coding-DNA position 2039, A replaced by G.
Protein change: p.Asp680Gly; replaces aspartic acid 680 with glycine.
Molecular consequence: missense variant.
Genome position (GRCh38, 1-based): chr14:105,389,966, A>G. VCF-style: chr14-105389966-A-G. GRCh37 (hg19) VCF-style: chr14-105856303-A-G.
Other names: c.1769A>G, p.Asp590Gly (NM_001243127.3); c.1994A>G, p.Asp665Gly (NM_015197.4); short protein forms D590G, D665G, D680G.
Identifiers: ClinVar variation 3371349 (VCV003371349.1).

ClinVar aggregate classification (germline): Uncertain significance (1 of 4 stars; one submission).

Submission:

GeneDx
Classification: Uncertain significance. Last evaluated: 2024-03-21. Review status: criteria provided, single submitter. Criteria: GeneDx Variant Classification Process June 2021. Collection method: clinical testing. Allele origin: germline. Affected: yes.
Comment: Not observed at significant frequency in large population cohorts (gnomAD); In silico analysis supports that this missense variant has a deleterious effect on protein structure/function; Has not been previously published as pathogenic or benign to our knowledge